The following is an entry in ClinVar:

NM_001377304.1(GFI1B):c.591C>T (p.Cys197=)

Gene: GFI1B (growth factor independent 1B transcriptional repressor; plus strand). Cytogenetic location: 9q34.13.
Variant type: single nucleotide variant.
Coding change: c.591C>T on transcript NM_001377304.1 (MANE Select); coding-DNA position 591, C replaced by T.
Protein change: p.Cys197=; no amino-acid change (cysteine 197 retained).
Molecular consequence: synonymous variant. On other transcripts: intron variant (2).
Genome position (GRCh38, 1-based): chr9:132,989,141, C>T. VCF-style: chr9-132989141-C-T. GRCh37 (hg19) VCF-style: chr9-135864528-C-T.
Other names: p.Cys197=; c.591C>T, p.Cys197= (NM_001371908.1, NM_004188.8); c.511-601C>T (NM_001135031.2, NM_001377305.1); c.591C>T (NM_004188.7).
Identifiers: ClinVar variation 3051406 (VCV003051406.4), dbSNP rs139313847, ClinGen allele CA5302004.

ClinVar aggregate classification (germline): Likely benign. Review status: criteria provided, multiple submitters, no conflicts (2 of 4 stars). 3 submissions from 3 submitters: Likely benign (2). 1 of the submissions does not count toward it. Last evaluated 2025-05-16.

Conditions:
GFI1B-related disorder. Also called: GFI1B-related condition.

Allele frequency attached by ClinVar (database versions not stated): gnomAD exomes 0.00005; ExAC 0.00009; gnomAD 0.00014; ESP Exome Variant Server 0.00015; TOPMed 0.00015.
gnomAD v4.1: 97 of 1,613,758 alleles (0.006%); highest among the groups gnomAD compares: African/African-American, 0.031%; no homozygotes.

Submissions (3):

Mayo Clinic Laboratories, Mayo Clinic
Classification: Likely benign. Last evaluated: 2025-05-16. Review status: criteria provided, single submitter. Criteria: ACMG Guidelines, 2015. Collection method: clinical testing. Allele origin: germline. Observed: 1 variant allele.
Comment: BP4, BP7

Blueprint Genetics
Classification: Likely benign. Last evaluated: 2020-12-10. Review status: criteria provided, single submitter. Criteria: ACMG Guidelines, 2015. Collection method: clinical testing. Allele origin: germline.

PreventionGenetics, part of Exact Sciences
Classification: Likely benign for GFI1B-related condition. Last evaluated: 2019-03-05. Review status: no assertion criteria provided. Collection method: clinical testing. Allele origin: germline. Not counted in ClinVar's aggregate classification.
Comment: This variant is classified as likely benign based on ACMG/AMP sequence variant interpretation guidelines (Richards et al. 2015 PMID: 25741868, with internal and published modifications).